The following is an entry in ClinVar:

NM_001378454.1(ALMS1):c.564del (p.Ser189fs)

Gene: ALMS1 (ALMS1 centrosome and basal body associated protein; plus strand). Cytogenetic location: 2p13.1.
Variant type: Deletion.
Coding change: c.564del on transcript NM_001378454.1 (MANE Select); coding-DNA position 564, one base deleted (C; older notation c.564delC).
Protein change: p.Ser189fs; shifts the reading frame from serine 189.
Molecular consequence: frameshift variant.
Genome position (GRCh38, 1-based): chr2:73,419,236, C deleted; the last of 4 consecutive C bases (chr2:73,419,233-73,419,236); deleting any one gives the same sequence. VCF-style (leftmost placement, unchanged base first): chr2-73419232-TC-T. GRCh37 (hg19) VCF-style: chr2-73646360-TC-T.
Other names: c.567del, p.Ser190fs (NM_015120.4); c.567delC (NM_015120.4); short protein forms S189fs, S190fs.
Identifiers: ClinVar variation 2418542 (VCV002418542.9), dbSNP rs1671239582, ClinGen allele CA1260944647.

ClinVar aggregate classification (germline): Pathogenic/Likely pathogenic. Review status: criteria provided, multiple submitters, no conflicts (2 of 4 stars). 3 submissions from 3 submitters: Pathogenic (1); Likely pathogenic (2). Last evaluated 2025-08-29.

Conditions:
Alstrom syndrome (ALMS). Identifiers: Orphanet 64, MedGen C0268425, MONDO:0008763, OMIM 203800.
ALMS1-related disorder. Also called: ALMS1-related condition.

Submissions (3):

Natera, Inc.
Classification: Likely pathogenic for Alstrom syndrome. Last evaluated: 2025-08-29. Review status: criteria provided, single submitter. Criteria: Natera Variant Classification Schema (03/2026). Collection method: clinical testing. Allele origin: germline.
Comment: The c.567delC variant in ALMS1 is a frameshift variant predicted to shift the reading frame beginning at codon 190 and leads to a stop codon 7 codons downstream. This variant is expected to result in nonsense mediated decay, truncation, or a dysfunctional protein product. This variant is rare in the general population with a frequency below the threshold expected for the associated phenotype(s). Given the available evidence, this variant is classified as Likely Pathogenic.

Blueprint Genetics
Classification: Likely pathogenic for ALMS1-related disorders. Last evaluated: 2024-02-27. Review status: criteria provided, single submitter. Criteria: ACMG Guidelines, 2015. Collection method: clinical testing. Allele origin: germline. Affected: yes. Observed: 2 variant alleles.

Labcorp Genetics (formerly Invitae), Labcorp
Classification: Pathogenic for Alstrom syndrome. Last evaluated: 2023-09-22. Review status: criteria provided, single submitter. Criteria: Invitae Variant Classification Sherloc (09022015). Collection method: clinical testing. Allele origin: germline.
Comment: ClinVar contains an entry for this variant (Variation ID: 2418542). For these reasons, this variant has been classified as Pathogenic. This variant has not been reported in the literature in individuals affected with ALMS1-related conditions. This variant is not present in population databases (gnomAD no frequency). This sequence change creates a premature translational stop signal (p.Ser190Leufs*7) in the ALMS1 gene. It is expected to result in an absent or disrupted protein product. Loss-of-function variants in ALMS1 are known to be pathogenic (PMID: 17594715).

Literature cited by the submitters: PubMed 17594715 (cited by Labcorp Genetics (formerly Invitae), Labcorp).